The following is an entry in ClinVar:

ClinVar aggregate classification (germline): Uncertain significance (1 of 4 stars; one submission).

Allele frequency attached by ClinVar (database versions not stated): gnomAD exomes below 0.00001.
gnomAD v4.1: 1 of 1,552,158 alleles (0.000064%); highest among the groups gnomAD compares: Non-Finnish European, 0.000087%; no homozygotes.

Submission:

Labcorp Genetics (formerly Invitae), Labcorp
Classification: Uncertain significance. Last evaluated: 2022-02-08. Review status: criteria provided, single submitter. Criteria: Invitae Variant Classification Sherloc (09022015). Collection method: clinical testing. Allele origin: germline.
Comment: Algorithms developed to predict the effect of missense changes on protein structure and function are either unavailable or do not agree on the potential impact of this missense change (SIFT: "Not Available"; PolyPhen-2: "Possibly Damaging"; Align-GVGD: "Not Available"). Algorithms developed to predict the effect of sequence changes on RNA splicing suggest that this variant may create or strengthen a splice site. In summary, the available evidence is currently insufficient to determine the role of this variant in disease. Therefore, it has been classified as a Variant of Uncertain Significance. This variant has not been reported in the literature in individuals affected with UNC80-related conditions. This sequence change replaces threonine, which is neutral and polar, with serine, which is neutral and polar, at codon 1799 of the UNC80 protein (p.Thr1799Ser). This variant is not present in population databases (gnomAD no frequency).

NM_001371986.1(UNC80):c.5594C>G (p.Thr1865Ser)

Gene: UNC80 (unc-80 subunit of NALCN channel complex; plus strand). Cytogenetic location: 2q34.
Variant type: single nucleotide variant.
Coding change: c.5594C>G on transcript NM_001371986.1 (MANE Select); coding-DNA position 5594, C replaced by G.
Protein change: p.Thr1865Ser; replaces threonine 1865 with serine.
Molecular consequence: missense variant.
Genome position (GRCh38, 1-based): chr2:209,922,315, C>G. VCF-style: chr2-209922315-C-G. GRCh37 (hg19) VCF-style: chr2-210787039-C-G.
Other names: c.5396C>G, p.Thr1799Ser (NM_032504.2); c.5381C>G, p.Thr1794Ser (NM_182587.4); short protein forms T1799S, T1794S, T1865S.
Identifiers: ClinVar variation 2095042 (VCV002095042.4), dbSNP rs2471134376, ClinGen allele CA350762673.
Genomic context (GRCh38, chr2:209,922,315, plus strand): 5'-AAGAAGTCACCAATCTGGCATCCCGTCGACTGTCTGTGAGTCCATCCTGCACCTCCAGCA[C>G]TTCCCACAGGAATTATTCCTTCCGCCGCGGGTCAGTCTGGTCAGTGCGTTCAGCCGTCAG-3'
Protein context (NP_001358915.1, residues 1855-1875): LSVSPSCTSS[Thr1865Ser]SHRNYSFRRG